The following is an entry in ClinVar:

ClinVar aggregate classification (germline): Likely pathogenic (1 of 4 stars; one submission).

Conditions:
Familial cancer of breast. Also called: Hereditary breast cancer; BREAST CANCER, FAMILIAL; hereditary breast carcinoma. Identifiers: Orphanet 227535, MedGen C0346153, MONDO:0016419, OMIM 114480. Disease mechanism: loss of function.

Submission:

Myriad Genetics, Inc.
Classification: Likely pathogenic for Familial cancer of breast. Last evaluated: 2023-05-24. Review status: criteria provided, single submitter. Criteria: Myriad Autosomal Dominant, Autosomal Recessive and X-Linked Classification Criteria (2023). Collection method: clinical testing. Allele origin: unknown.
Comment: This variant is considered likely pathogenic. This variant occurs within a consensus splice junction and is predicted to result in abnormal mRNA splicing of either an out-of-frame exon or an in-frame exon necessary for protein stability and/or normal function.

NM_000465.4(BARD1):c.1810+1_1810+32del

Gene: BARD1 (BRCA1 associated RING domain 1; minus strand). Cytogenetic location: 2q35.
Variant type: Deletion.
Coding change: c.1810+1_1810+32del on transcript NM_000465.4 (MANE Select); the canonical splice donor site of the intron after coding-DNA position 1810 through 32 bases into the intron after coding-DNA position 1810, 32 bases deleted.
Molecular consequence: splice donor variant. On other transcripts: intron variant (1).
Genome position (GRCh38, 1-based): chr2:214,745,690-214,745,721, 32 bases deleted; deleting any 32 consecutive bases within chr2:214,745,690-214,745,723 gives the same sequence; the c. name uses the placement nearest the transcript's 3' end. GRCh37 (hg19): chr2:215,610,416-215,610,447.
Other names: c.400+1_400+32del (NM_001282548.2); c.1753+1_1753+32del (NM_001282543.2); c.457+1_457+32del (NM_001282545.2); c.365-15213_365-15182del (NM_001282549.2).
Identifiers: ClinVar variation 2583730 (VCV002583730.2), dbSNP rs2469341667, ClinGen allele CA2582342064.